The following is an entry in ClinVar:

NM_006206.6(PDGFRA):c.2195T>C (p.Met732Thr)

Gene: PDGFRA (platelet derived growth factor receptor alpha; plus strand). Cytogenetic location: 4q12.
Variant type: single nucleotide variant.
Coding change: c.2195T>C on transcript NM_006206.6 (MANE Select); coding-DNA position 2195, T replaced by C.
Protein change: p.Met732Thr; replaces methionine 732 with threonine.
Molecular consequence: missense variant.
Genome position (GRCh38, 1-based): chr4:54,280,354, T>C. VCF-style: chr4-54280354-T-C. GRCh37 (hg19) VCF-style: chr4-55146521-T-C.
Other names: c.2195T>C, p.Met732Thr (NM_001347827.2, NM_001347829.2); c.2270T>C, p.Met757Thr (NM_001347828.2); c.2234T>C, p.Met745Thr (NM_001347830.2); short protein forms M732T, M745T, M757T.
Identifiers: ClinVar variation 3013974 (VCV003013974.4), dbSNP rs768993267, ClinGen allele CA2922785.

ClinVar aggregate classification (germline): Uncertain significance. Review status: criteria provided, multiple submitters, no conflicts (2 of 4 stars). 2 submissions from 2 submitters: Uncertain significance (2). Last evaluated 2025-04-08.

Conditions:
Hereditary cancer-predisposing syndrome. Also called: Neoplastic Syndromes, Hereditary; Hereditary Cancer Syndrome; Hereditary neoplastic syndrome; Tumor predisposition. Identifiers: Orphanet 140162, MedGen C0027672, MeSH D009386, MONDO:0015356.
Gastrointestinal stromal tumor. Also called: Gastrointestinal stromal tumor, somatic; Gastrointestinal stroma tumor. Identifiers: Orphanet 44890, MedGen C0238198, MeSH D046152, MONDO:0011719, OMIM 606764, HP:0100723.

Allele frequency attached by ClinVar (database versions not stated): gnomAD exomes below 0.00001; ExAC 0.00001.
gnomAD v4.1: 1 of 1,613,722 alleles (0.000062%); highest among the groups gnomAD compares: Non-Finnish European, 0.000085%; no homozygotes.

Submissions (2):

Ambry Genetics
Classification: Uncertain significance for Hereditary cancer-predisposing syndrome. Last evaluated: 2025-04-08. Review status: criteria provided, single submitter. Criteria: Ambry Variant Classification Scheme 2023. Collection method: clinical testing. Allele origin: germline.

Labcorp Genetics (formerly Invitae), Labcorp
Classification: Uncertain significance for Gastrointestinal stromal tumor. Last evaluated: 2025-01-08. Review status: criteria provided, single submitter. Criteria: Invitae Variant Classification Sherloc (09022015). Collection method: clinical testing. Allele origin: germline.
Comment: This sequence change replaces methionine, which is neutral and non-polar, with threonine, which is neutral and polar, at codon 732 of the PDGFRA protein (p.Met732Thr). This variant is present in population databases (rs768993267, gnomAD 0.0009%). This variant has not been reported in the literature in individuals affected with PDGFRA-related conditions. ClinVar contains an entry for this variant (Variation ID: 3013974). Invitae Evidence Modeling of protein sequence and biophysical properties (such as structural, functional, and spatial information, amino acid conservation, physicochemical variation, residue mobility, and thermodynamic stability) has been performed for this missense variant. However, the output from this modeling did not meet the statistical confidence thresholds required to predict the impact of this variant on PDGFRA protein function. In summary, the available evidence is currently insufficient to determine the role of this variant in disease. Therefore, it has been classified as a Variant of Uncertain Significance.